The following is an entry in ClinVar:

NM_005271.5(GLUD1):c.1111A>G (p.Ile371Val)

Gene: GLUD1 (glutamate dehydrogenase 1; minus strand). Cytogenetic location: 10q23.2.
Variant type: single nucleotide variant.
Coding change: c.1111A>G on transcript NM_005271.5 (MANE Select); coding-DNA position 1111, A replaced by G.
Protein change: p.Ile371Val; replaces isoleucine 371 with valine.
Molecular consequence: missense variant.
Genome position (GRCh38, 1-based): chr10:87,060,774, T>C on the plus strand (A>G on the coding strand, the complement: GLUD1 is on the minus strand). VCF-style: chr10-87060774-T-C. GRCh37 (hg19) VCF-style: chr10-88820531-T-C.
Other names: c.712A>G, p.Ile238Val (NM_001318900.1); c.610A>G, p.Ile204Val (NM_001318901.1, NM_001318902.1, NM_001318904.2 and 2 more transcripts); short protein forms I204V, I238V, I371V.
Identifiers: ClinVar variation 1339165 (VCV001339165.2), dbSNP rs2133795523, ClinGen allele CA377467008.

ClinVar aggregate classification (germline): Uncertain significance (1 of 4 stars; one submission).

Conditions:
Hyperinsulinism-hyperammonemia syndrome (HHF6). Identifiers: Orphanet 35878, MedGen C1847555, MONDO:0011717, OMIM 606762.

Submission:

Neuberg Centre For Genomic Medicine, NCGM
Classification: Uncertain significance for Hyperinsulinism-hyperammonemia syndrome. Review status: criteria provided, single submitter. Criteria: ACMG Guidelines, 2015. Collection method: clinical testing. Allele origin: germline. Affected: yes.
Comment: The missense variant p.I371V in GLUD1 (NM_005271.5) has not been reported previously as a pathogenic variant nor as a benign variant, to our knowledge. The p.I371V variant is novel (not in any individuals) in gnomAD Exomes and is novel (not in any individuals) in 1000 Genomes. There is a small physicochemical difference between isoleucine and valine, which is not likely to impact secondary protein structure as these residues share similar properties. The p.I371V missense variant is predicted to be damaging by both SIFT and PolyPhen2. The isoleucine residue at codon 371 of GLUD1 is conserved in all mammalian species. The nucleotide c.1111 in GLUD1 is predicted conserved by GERP++ and PhyloP across 100 vertebrates. For these reasons, this variant has been classified as Uncertain Significance.